The following is an entry in ClinVar:

ClinVar aggregate classification (germline): Uncertain significance (1 of 4 stars; one submission).

Allele frequency attached by ClinVar (database versions not stated): ExAC 0.00001; TOPMed 0.00001.
gnomAD v4.1: 7 of 1,614,180 alleles (0.00043%); highest among the groups gnomAD compares: Admixed American, 0.012%; no homozygotes.

Submission:

Labcorp Genetics (formerly Invitae), Labcorp
Classification: Uncertain significance. Last evaluated: 2022-10-25. Review status: criteria provided, single submitter. Criteria: Invitae Variant Classification Sherloc (09022015). Collection method: clinical testing. Allele origin: germline.
Comment: This sequence change replaces arginine, which is basic and polar, with glycine, which is neutral and non-polar, at codon 1790 of the CCDC88A protein (p.Arg1790Gly). This variant is present in population databases (rs767911397, gnomAD 0.02%). This variant has not been reported in the literature in individuals affected with CCDC88A-related conditions. Algorithms developed to predict the effect of missense changes on protein structure and function are either unavailable or do not agree on the potential impact of this missense change (SIFT: "Deleterious"; PolyPhen-2: "Benign"; Align-GVGD: "Class C0"). In summary, the available evidence is currently insufficient to determine the role of this variant in disease. Therefore, it has been classified as a Variant of Uncertain Significance.

NM_001365480.1(CCDC88A):c.5371C>G (p.Arg1791Gly)

Gene: CCDC88A (coiled-coil domain containing 88A; minus strand). Cytogenetic location: 2p16.1.
Variant type: single nucleotide variant.
Coding change: c.5371C>G on transcript NM_001365480.1 (MANE Select); coding-DNA position 5371, C replaced by G.
Protein change: p.Arg1791Gly; replaces arginine 1791 with glycine.
Molecular consequence: missense variant. On other transcripts: intron variant (1).
Genome position (GRCh38, 1-based): chr2:55,295,777, G>C on the plus strand (C>G on the coding strand, the complement: CCDC88A is on the minus strand). VCF-style: chr2-55295777-G-C. GRCh37 (hg19) VCF-style: chr2-55522913-G-C.
Other names: c.5368C>G, p.Arg1790Gly (NM_001135597.2); c.5287C>G, p.Arg1763Gly (NM_018084.5); c.5196-50C>G (NM_001254943.2); short protein forms R1763G, R1790G, R1791G.
Identifiers: ClinVar variation 2415125 (VCV002415125.3), dbSNP rs767911397, ClinGen allele CA1665336.
Genomic context (GRCh38, chr2:55,295,777, plus strand): 5'-TTGAGATCACGCTGCTTGCACGAGGTAAAGTTGCATAAGGGTTACTATCTTTTGATTGTC[G>C]TGACAGAGAAGATTCTTTTACTAATTTTATTTTTCCTTGAGTGCCTGGTGTAGGTTTTCC-3'
Protein context (NP_001352409.1, residues 1781-1801): IKLVKESSLS[Arg1791Gly]QSKDSNPYAT